The following is an entry in ClinVar:

ClinVar aggregate classification (germline): Conflicting classifications of pathogenicity. Review status: criteria provided, conflicting classifications (1 of 4 stars). 8 submissions from 8 submitters: Uncertain significance (4); Benign (1); Likely benign (2). 1 of the submissions does not count toward it. Last evaluated 2026-01-16.

Conditions:
BRCA2-related disorder. Also called: BRCA2-related disorders; BRCA2-related condition. Identifiers: MedGen CN239275.
Hereditary breast ovarian cancer syndrome. Also called: Hereditary breast and/or ovarian cancer syndrome; Hereditary breast and ovarian cancer syndrome; Hereditary breast and ovarian cancer; Hereditary breast and ovarian cancer syndrome (HBOC); Breast and ovarian cancer; BRCA1- and BRCA2-Associated Hereditary Breast and Ovarian Cancer. Identifiers: Orphanet 145, MedGen C0677776, MeSH D061325, MONDO:0003582. Disease mechanism: loss of function.
Hereditary cancer-predisposing syndrome. Also called: Tumor predisposition; Hereditary Cancer Syndrome; Neoplastic Syndromes, Hereditary; Hereditary neoplastic syndrome. Identifiers: Orphanet 140162, MedGen C0027672, MeSH D009386, MONDO:0015356.
Breast cancer, susceptibility to. Identifiers: MedGen C3469522. Disease mechanism: gain of function.
Infiltrating duct carcinoma of breast. Also called: Invasive ductal breast carcinoma; Invasive Ductal Carcinoma, Not Otherwise Specified. Identifiers: MedGen C1412014, MONDO:0004953.
Ovarian cancer. Also called: OVARIAN CANCER, SOMATIC. Identifiers: Orphanet 213500, MedGen C1140680, MONDO:0008170, OMIM 167000.

Allele frequency attached by ClinVar (database versions not stated): TOPMed below 0.00001.

Submissions (8):

Ambry Genetics
Classification: Likely benign for Hereditary cancer-predisposing syndrome. Last evaluated: 2026-01-16. Review status: criteria provided, single submitter. Criteria: Ambry Variant Classification Scheme 2023. Collection method: clinical testing. Allele origin: germline.

Labcorp Genetics (formerly Invitae), Labcorp
Classification: Uncertain significance for Hereditary breast ovarian cancer syndrome. Last evaluated: 2025-09-22. Review status: criteria provided, single submitter. Criteria: Invitae Variant Classification Sherloc (09022015). Collection method: clinical testing. Allele origin: germline.
Comment: This sequence change replaces serine, which is neutral and polar, with asparagine, which is neutral and polar, at codon 1342 of the BRCA2 protein (p.Ser1342Asn). This variant is not present in population databases (gnomAD no frequency). This variant has not been reported in the literature in individuals affected with BRCA2-related conditions. ClinVar contains an entry for this variant (Variation ID: 545488). Invitae Evidence Modeling of protein sequence and biophysical properties (such as structural, functional, and spatial information, amino acid conservation, physicochemical variation, residue mobility, and thermodynamic stability) indicates that this missense variant is not expected to disrupt BRCA2 protein function with a negative predictive value of 95%. In summary, the available evidence is currently insufficient to determine the role of this variant in disease. Therefore, it has been classified as a Variant of Uncertain Significance.

PreventionGenetics, part of Exact Sciences
Classification: Uncertain significance for BRCA2-related condition. Last evaluated: 2023-04-27. Review status: criteria provided, single submitter. Criteria: ACMG Guidelines, 2015. Collection method: clinical testing. Allele origin: germline.
Comment: The BRCA2 c.4025G>A variant is predicted to result in the amino acid substitution p.Ser1342Asn. To our knowledge, this variant has not been reported in the literature or in a large population database, indicating this variant is rare. This variant occurs within a region of the BRCA2 gene that is predicted to be tolerant to variation (Table 2 & Figure 1, Dines et al. 2020. PubMed ID: 31911673). It has conflicting interpretations of pathogenicity in ClinVar ranging from benign to uncertain. At this time, the clinical significance of this variant is uncertain due to the absence of conclusive functional and genetic evidence.

University of Washington Department of Laboratory Medicine, University of Washington
Classification: Likely benign for Hereditary cancer-predisposing syndrome. Last evaluated: 2023-03-23. Review status: criteria provided, single submitter. Criteria: Dines et al. (Genet Med. 2020). Collection method: curation. Allele origin: germline.
Comment: Missense variant in a coldspot region where missense variants are very unlikely to be pathogenic (PMID:31911673).

BRCA2 exon 11 coldspot. Reclassification based on statistical prior probability.

Laboratory of Molecular Epidemiology of Birth Defects, West China Second University Hospital, Sichuan University
Classification: Benign for Ovarian cancer. Last evaluated: 2022-01-01. Review status: criteria provided, single submitter. Criteria: ACMG Guidelines, 2015. Collection method: clinical testing. Allele origin: germline. Affected: yes.

Color Diagnostics, LLC DBA Color Health
Classification: Uncertain significance for Hereditary cancer-predisposing syndrome. Last evaluated: 2019-06-02. Review status: criteria provided, single submitter. Criteria: ACMG Guidelines, 2015. Collection method: clinical testing. Allele origin: germline.

Cancer Molecular Diagnostics Core, Tianjin Medical University Cancer Institute and Hospital
Classification: Uncertain significance for Breast cancer, susceptibility to. Last evaluated: 2018-03-25. Review status: criteria provided, single submitter. Criteria: ACMG Guidelines, 2015. Collection method: research. Allele origin: germline. Affected: yes. Observed: 1 variant allele.

3DMed Clinical Laboratory Inc
Classification: Uncertain significance for Invasive Ductal Carcinoma, Not Otherwise Specified. Last evaluated: 2017-06-27. Review status: no assertion criteria provided. Criteria: ACMG Guidelines, 2015. Collection method: clinical testing. Allele origin: germline. Affected: yes. Not counted in ClinVar's aggregate classification.

NM_000059.4(BRCA2):c.4025G>A (p.Ser1342Asn)

Gene: BRCA2 (BRCA2 DNA repair associated; plus strand). Cytogenetic location: 13q13.1.
Variant type: single nucleotide variant.
Coding change: c.4025G>A on transcript NM_000059.4 (MANE Select); coding-DNA position 4025, G replaced by A.
Protein change: p.Ser1342Asn; replaces serine 1342 with asparagine.
Molecular consequence: missense variant.
Genome position (GRCh38, 1-based): chr13:32,338,380, G>A. VCF-style: chr13-32338380-G-A. GRCh37 (hg19) VCF-style: chr13-32912517-G-A.
Other names: short protein forms S1342N.
Identifiers: ClinVar variation 545488 (VCV000545488.14), dbSNP rs1270552356, ClinGen allele CA387779050.